The following is an entry in ClinVar:

ClinVar aggregate classification (germline): Uncertain significance (1 of 4 stars; one submission).

gnomAD v4.1: 1 of 1,614,166 alleles (0.000062%); highest among the groups gnomAD compares: Non-Finnish European, 0.000085%; no homozygotes.

Submission:

GeneDx
Classification: Uncertain significance. Last evaluated: 2025-01-31. Review status: criteria provided, single submitter. Criteria: GeneDx Variant Classification Process June 2021. Collection method: clinical testing. Allele origin: germline.
Comment: Not observed at significant frequency in large population cohorts (gnomAD); In silico analysis indicates that this missense variant does not alter protein structure/function; Has not been previously published as pathogenic or benign to our knowledge

NM_001375524.1(TRRAP):c.9917G>A (p.Arg3306Lys)

Gene: TRRAP (transformation/transcription domain associated protein; plus strand). Cytogenetic location: 7q22.1.
Variant type: single nucleotide variant.
Coding change: c.9917G>A on transcript NM_001375524.1 (MANE Select); coding-DNA position 9917, G replaced by A.
Protein change: p.Arg3306Lys; replaces arginine 3306 with lysine.
Molecular consequence: missense variant.
Genome position (GRCh38, 1-based): chr7:98,993,607, G>A. VCF-style: chr7-98993607-G-A. GRCh37 (hg19) VCF-style: chr7-98591230-G-A.
Other names: c.9875G>A, p.Arg3292Lys (NM_001244580.2); c.9788G>A, p.Arg3263Lys (NM_003496.4); short protein forms R3263K, R3292K, R3306K.
Identifiers: ClinVar variation 3375542 (VCV003375542.2).